The following is an entry in ClinVar:

NM_002872.5(RAC2):c.347A>G (p.Lys116Arg)

Gene: RAC2 (Rac family small GTPase 2; minus strand). Cytogenetic location: 22q13.1.
Variant type: single nucleotide variant.
Coding change: c.347A>G on transcript NM_002872.5 (MANE Select); coding-DNA position 347, A replaced by G.
Protein change: p.Lys116Arg; replaces lysine 116 with arginine.
Molecular consequence: missense variant.
Genome position (GRCh38, 1-based): chr22:37,231,332, T>C on the plus strand (A>G on the coding strand, the complement: RAC2 is on the minus strand). VCF-style: chr22-37231332-T-C. GRCh37 (hg19) VCF-style: chr22-37627372-T-C.
Other names: short protein forms K116R.
Identifiers: ClinVar variation 1445776 (VCV001445776.11), dbSNP rs978951259, ClinGen allele CA324079611.
Genomic context (GRCh38, chr22:37,231,332, plus strand): 5'-GGAGCCAGCTTCTTCTCCTTCAGTTTCTCGATGGTGTCCTTGTCGTCCCGCAGGTCCAGC[T>C]TGGTGCCCACCAGGATGATGGGTGTGCTGGGGCAGTGGTGCCGCACTTCTGGGAACCACT-3'
Protein context (NP_002863.1, residues 106-126): PSTPIILVGT[Lys116Arg]LDLRDDKDTI

ClinVar aggregate classification (germline): Uncertain significance (1 of 4 stars; one submission).

Conditions:
Neutrophil immunodeficiency syndrome. Also called: Immunodeficiency 73A with defective neutrophil chemotaxis and leukocytosis. Identifiers: Orphanet 183707, MedGen C1842398, MONDO:0011988, OMIM 608203.

Allele frequency attached by ClinVar (database versions not stated): gnomAD exomes below 0.00001.
gnomAD v4.1: 2 of 1,614,140 alleles (0.00012%); highest among the groups gnomAD compares: Non-Finnish European, 0.00017%; no homozygotes.

Submission:

Labcorp Genetics (formerly Invitae), Labcorp
Classification: Uncertain significance for Neutrophil immunodeficiency syndrome. Last evaluated: 2024-10-28. Review status: criteria provided, single submitter. Criteria: Invitae Variant Classification Sherloc (09022015). Collection method: clinical testing. Allele origin: germline.
Comment: This sequence change replaces lysine, which is basic and polar, with arginine, which is basic and polar, at codon 116 of the RAC2 protein (p.Lys116Arg). This variant is present in population databases (no rsID available, gnomAD 0.0009%). This variant has not been reported in the literature in individuals affected with RAC2-related conditions. ClinVar contains an entry for this variant (Variation ID: 1445776). Invitae Evidence Modeling of protein sequence and biophysical properties (such as structural, functional, and spatial information, amino acid conservation, physicochemical variation, residue mobility, and thermodynamic stability) indicates that this missense variant is expected to disrupt RAC2 protein function with a positive predictive value of 95%. In summary, the available evidence is currently insufficient to determine the role of this variant in disease. Therefore, it has been classified as a Variant of Uncertain Significance.